The following is an entry in ClinVar:

NM_003590.5(CUL3):c.2285A>G (p.Lys762Arg)

Gene: CUL3 (cullin 3; minus strand). Cytogenetic location: 2q36.2.
Variant type: single nucleotide variant.
Coding change: c.2285A>G on transcript NM_003590.5 (MANE Select); coding-DNA position 2285, A replaced by G.
Protein change: p.Lys762Arg; replaces lysine 762 with arginine.
Molecular consequence: missense variant.
Genome position (GRCh38, 1-based): chr2:224,474,267, T>C on the plus strand (A>G on the coding strand, the complement: CUL3 is on the minus strand). VCF-style: chr2-224474267-T-C. GRCh37 (hg19) VCF-style: chr2-225338984-T-C.
Other names: c.2087A>G, p.Lys696Arg (NM_001257197.2); c.2303A>G, p.Lys768Arg (NM_001257198.2); short protein forms K768R, K696R, K762R.
Identifiers: ClinVar variation 1920562 (VCV001920562.5), dbSNP rs761790580, ClinGen allele CA2139786.
Genomic context (GRCh38, chr2:224,474,267, plus strand): 5'-AGTACAGTCCAAGAATAAATCAAATTTCTGAACGCATTTTATGCTACATATGTGTATACT[T>C]TGCGATCCTCAGGTGTTCGTGCCAAATATTCTCTCTCAATAAGTCCTTCAATACGTTTCT-3'
Protein context (NP_003581.1, residues 752-768): EYLARTPEDR[Lys762Arg]VYTYVA

ClinVar aggregate classification (germline): Uncertain significance (1 of 4 stars; one submission).

Allele frequency attached by ClinVar (database versions not stated): gnomAD exomes below 0.00001; ExAC 0.00001.
gnomAD v4.1: 2 of 1,614,032 alleles (0.00012%); highest among the groups gnomAD compares: Admixed American, 0.0033%; no homozygotes.

Submission:

Labcorp Genetics (formerly Invitae), Labcorp
Classification: Uncertain significance. Last evaluated: 2023-07-07. Review status: criteria provided, single submitter. Criteria: Invitae Variant Classification Sherloc (09022015). Collection method: clinical testing. Allele origin: germline.
Comment: This variant is present in population databases (rs761790580, gnomAD 0.006%). In summary, the available evidence is currently insufficient to determine the role of this variant in disease. Therefore, it has been classified as a Variant of Uncertain Significance. Advanced modeling of protein sequence and biophysical properties (such as structural, functional, and spatial information, amino acid conservation, physicochemical variation, residue mobility, and thermodynamic stability) performed at Invitae indicates that this missense variant is not expected to disrupt CUL3 protein function. ClinVar contains an entry for this variant (Variation ID: 1920562). This variant has not been reported in the literature in individuals affected with CUL3-related conditions. This sequence change replaces lysine, which is basic and polar, with arginine, which is basic and polar, at codon 762 of the CUL3 protein (p.Lys762Arg).